The following is an entry in ClinVar:

ClinVar aggregate classification (germline): Uncertain significance (1 of 4 stars; one submission).

Conditions:
Joubert syndrome 23 (JBTS23). Identifiers: Orphanet 475, MedGen C4084822, MONDO:0014664, OMIM 616490.
Short-rib thoracic dysplasia 14 with polydactyly (SRTD14). Identifiers: Orphanet 397715, MedGen C4225286, MONDO:0014688, OMIM 616546.

Allele frequency attached by ClinVar (database versions not stated): gnomAD exomes 0.00001; TOPMed 0.00001.
gnomAD v4.1: 3 of 1,613,138 alleles (0.00019%); highest among the groups gnomAD compares: Admixed American, 0.005%; no homozygotes.

Submission:

Labcorp Genetics (formerly Invitae), Labcorp
Classification: Uncertain significance for Joubert syndrome 23; Short-rib thoracic dysplasia 14 with polydactyly. Last evaluated: 2024-11-21. Review status: criteria provided, single submitter. Criteria: Invitae Variant Classification Sherloc (09022015). Collection method: clinical testing. Allele origin: germline.
Comment: This sequence change replaces threonine, which is neutral and polar, with alanine, which is neutral and non-polar, at codon 1586 of the KIAA0586 protein (p.Thr1586Ala). This variant is present in population databases (no rsID available, gnomAD 0.009%). This variant has not been reported in the literature in individuals affected with KIAA0586-related conditions. ClinVar contains an entry for this variant (Variation ID: 1494848). An algorithm developed to predict the effect of missense changes on protein structure and function outputs the following: PolyPhen-2: "Benign". The alanine amino acid residue is found in multiple mammalian species, which suggests that this missense change does not adversely affect protein function. In summary, the available evidence is currently insufficient to determine the role of this variant in disease. Therefore, it has been classified as a Variant of Uncertain Significance.

NM_001329943.3(KIAA0586):c.4512A>G (p.Pro1504=)

Gene: KIAA0586 (KIAA0586; plus strand). Cytogenetic location: 14q23.1.
Variant type: single nucleotide variant.
Coding change: c.4512A>G on transcript NM_001329943.3 (MANE Select); coding-DNA position 4512, A replaced by G.
Protein change: p.Pro1504=; no amino-acid change (proline 1504 retained).
Molecular consequence: synonymous variant. On other transcripts: missense variant (2).
Genome position (GRCh38, 1-based): chr14:58,547,797, A>G. VCF-style: chr14-58547797-A-G. GRCh37 (hg19) VCF-style: chr14-59014515-A-G.
Other names: c.4756A>G, p.Thr1586Ala (NM_001244189.2); c.4467A>G, p.Pro1489= (NM_001244190.2); c.4257A>G, p.Pro1419= (NM_001244191.2, NM_001364701.2); c.4380A>G, p.Pro1460= (NM_001244192.2, NM_001329947.2); c.4597A>G, p.Thr1533Ala (NM_001329944.2); c.4191A>G, p.Pro1397= (NM_001329945.2); c.4446A>G, p.Pro1482= (NM_001329946.2); c.4284A>G, p.Pro1428= (NM_014749.5); short protein forms T1533A, T1586A.
Identifiers: ClinVar variation 1494848 (VCV001494848.6), dbSNP rs1476732636, ClinGen allele CA390059263.
Genomic context (GRCh38, chr14:58,547,797, plus strand): 5'-TCAGGTTACGCATGTTGAGCTGAATGAGCTTCTCCTTTGTGCAGGTGGGAAAGCAGTGCC[A>G]CTCTCCGCTTCACAGATGCCCCCTGCCAAGATGTCAGTGATGCTGCCGTCAGTGAACCTC-3'
Protein context (NP_001316872.1, residues 1494-1514): TCVFSGGKAV[Pro1504=]LSASQMPPAK